The following is an entry in ClinVar:

NM_015512.5(DNAH1):c.12375A>T (p.Thr4125=)

Gene: DNAH1 (dynein axonemal heavy chain 1; plus strand). Cytogenetic location: 3p21.1.
Variant type: single nucleotide variant.
Coding change: c.12375A>T on transcript NM_015512.5 (MANE Select); coding-DNA position 12375, A replaced by T.
Protein change: p.Thr4125=; no amino-acid change (threonine 4125 retained).
Molecular consequence: synonymous variant.
Genome position (GRCh38, 1-based): chr3:52,399,135, A>T. VCF-style: chr3-52399135-A-T. GRCh37 (hg19) VCF-style: chr3-52433151-A-T.
Other names: p.Thr4125=.
Identifiers: ClinVar variation 478408 (VCV000478408.22), dbSNP rs61734637, ClinGen allele CA2436463.
Genomic context (GRCh38, chr3:52,399,135, plus strand): 5'-AGATGGCATCCCAGCTGTCTTCTGGATCAGTGGATTCTTCTTCCCCCAGGCTTTCTTAAC[A>T]GGCACTCTGCAGAATTTTGCCCGCAAATTTGTCATCTCCATTGACACCATCTCCTTTGAT-3'
Protein context (NP_056327.4, residues 4115-4135): SGFFFPQAFL[Thr4125=]GTLQNFARKF

ClinVar aggregate classification (germline): Benign/Likely benign. Review status: criteria provided, multiple submitters, no conflicts (2 of 4 stars). 5 submissions from 5 submitters: Benign (2); Likely benign (3). Last evaluated 2026-01-27.

Conditions:
Spermatogenic failure 18. Identifiers: MedGen C4539783, MONDO:0054615, OMIM 617576.
Ciliary dyskinesia, primary, 37 (CILD37). Also called: CILIARY DYSKINESIA, PRIMARY, 37, WITH OR WITHOUT SITUS INVERSUS. Identifiers: MedGen C4539798, MONDO:0033204, OMIM 617577.

Allele frequency attached by ClinVar (database versions not stated): ESP Exome Variant Server 0.00289; TOPMed 0.00306; gnomAD 0.00310 and 0.00390; gnomAD exomes 0.00587 and 0.00599; ExAC 0.00632; 1000 Genomes Project 30x 0.00796; 1000 Genomes Project 0.00859.
gnomAD v4.1: 9,159 of 1,613,974 alleles (0.57%); highest among the groups gnomAD compares: South Asian, 2.3%; 70 homozygotes.

Submissions (7):

Labcorp Genetics (formerly Invitae), Labcorp
Classification: Benign for Ciliary dyskinesia, primary, 37; Spermatogenic failure 18. Last evaluated: 2026-01-27. Review status: criteria provided, single submitter. Criteria: Invitae Variant Classification Sherloc (09022015). Collection method: clinical testing. Allele origin: germline.

ARUP Laboratories, Molecular Genetics and Genomics, ARUP Laboratories
Classification: Benign. Last evaluated: 2025-06-24. Review status: criteria provided, single submitter. Criteria: ARUP Molecular Germline Variant Investigation Process 2024. Collection method: clinical testing. Allele origin: germline.

Mayo Clinic Laboratories, Mayo Clinic
Classification: Likely benign. Last evaluated: 2024-12-03. Review status: criteria provided, single submitter. Criteria: ACMG Guidelines, 2015. Collection method: clinical testing. Allele origin: germline. Observed: 4 variant alleles.
Comment: BS1, BS2_supporting, BP4, BP7

GeneDx
Classification: Likely benign. Last evaluated: 2018-07-09. Review status: criteria provided, single submitter. Criteria: GeneDx Variant Classification Process June 2021. Collection method: clinical testing. Allele origin: germline. Affected: yes.

Breakthrough Genomics
Classification: Likely benign. Review status: criteria provided, single submitter. Criteria: ACMG Guidelines, 2015. Collection method: not provided. Allele origin: germline. Inheritance: Autosomal recessive inheritance. Affected: yes.

Dr. Peter K. Rogan Lab, Western University
No classification provided (evidence only). Condition: Clear cell carcinoma of kidney. Review status: no classification provided. Collection method: in vitro. Allele origin: not applicable. Functional consequence: retained intron. Not counted in ClinVar's aggregate classification.

Dr. Peter K. Rogan Lab, Western University
No classification provided (evidence only). Condition: Malignant tumor of esophagus. Review status: no classification provided. Collection method: in vitro. Allele origin: not applicable. Functional consequence: retained intron. Not counted in ClinVar's aggregate classification.